The following is an entry in ClinVar:

ClinVar aggregate classification (germline): Uncertain significance (1 of 4 stars; one submission).

Submission:

Dasa
Classification: Uncertain significance. Last evaluated: 2025-10-29. Review status: criteria provided, single submitter. Criteria: DASA Assertion Criteria. Collection method: clinical testing. Allele origin: germline.
Comment: NM_138927.4(SON):c.3707A>G (p.Asp1236Gly) is a missense variant that results in the substitution of aspartic acid with glycine. This variant is rare in population databases. Computational prediction algorithms are consistent with a benign effect. The currently available literature and clinical evidence are not sufficient to establish a definitive association between this variant and the reported condition. Therefore, this variant is classified as a variant of uncertain significance.

NM_138927.4(SON):c.3707A>G (p.Asp1236Gly)

Gene: SON (SON DNA and RNA binding protein; plus strand). Cytogenetic location: 21q22.11.
Variant type: single nucleotide variant.
Coding change: c.3707A>G on transcript NM_138927.4 (MANE Select); coding-DNA position 3707, A replaced by G.
Protein change: p.Asp1236Gly; replaces aspartic acid 1236 with glycine.
Molecular consequence: missense variant. On other transcripts: non-coding transcript variant (1), intron variant (1).
Genome position (GRCh38, 1-based): chr21:33,552,938, A>G. VCF-style: chr21-33552938-A-G. GRCh37 (hg19) VCF-style: chr21-34925244-A-G.
Other names: c.3707A>G, p.Asp1236Gly (NM_001291411.2, NM_032195.3); c.245-4218A>G (NM_001291412.3); short protein forms D1236G.
Identifiers: ClinVar variation 4886191 (VCV004886191.2).
Genomic context (GRCh38, chr21:33,552,938, plus strand): 5'-GTCAAAGTGAGATTTCGGAGCCTTCAGCAGTGCCTACTGATTATTCAGTGTCAGCATCAG[A>G]TCCCTCAGTTTTAGTATCAGAGGCTGCTGTGACTGTTCCAGAACCACCACCAGAGCCAGA-3'
Protein context (NP_620305.3, residues 1226-1246): VPTDYSVSAS[Asp1236Gly]PSVLVSEAAV